The following is an entry in ClinVar:

NM_025137.4(SPG11):c.814G>A (p.Val272Met)

Gene: SPG11 (SPG11 vesicle trafficking associated, spatacsin; minus strand). Cytogenetic location: 15q21.1.
Variant type: single nucleotide variant.
Coding change: c.814G>A on transcript NM_025137.4 (MANE Select); coding-DNA position 814, G replaced by A.
Protein change: p.Val272Met; replaces valine 272 with methionine.
Molecular consequence: missense variant.
Genome position (GRCh38, 1-based): chr15:44,657,150, C>T on the plus strand (G>A on the coding strand, the complement: SPG11 is on the minus strand). VCF-style: chr15-44657150-C-T. GRCh37 (hg19) VCF-style: chr15-44949348-C-T.
Other names: c.814G>A, p.Val272Met (NM_001160227.2, NM_001411132.1); c.814G>A (NM_025137.3); short protein forms V272M.
Identifiers: ClinVar variation 2627965 (VCV002627965.2), dbSNP rs2505758337, ClinGen allele CA392237232.

ClinVar aggregate classification (germline): Uncertain significance. Review status: criteria provided, multiple submitters, no conflicts (2 of 4 stars). 2 submissions from 2 submitters: Uncertain significance (2). Last evaluated 2025-02-08.

Conditions:
Hereditary spastic paraplegia 11. Also called: Spastic Paraplegia 11; SPASTIC PARAPLEGIA, AUTOSOMAL RECESSIVE, COMPLICATED, WITH THIN CORPUS CALLOSUM; SPASTIC PARAPLEGIA, AUTOSOMAL RECESSIVE, WITH MENTAL IMPAIRMENT AND THIN CORPUS CALLOSUM; Spastic paraplegia, mental retardation and thin corpus callosum; Nakamura Osame syndrome; Autosomal recessive hereditary spastic paraplegia, mental impairment, and thin corpus callosum. Identifiers: Orphanet 2822, MedGen C1858479, MONDO:0011445, OMIM 604360.
Inborn genetic diseases. Identifiers: MedGen C0950123, MeSH D030342.

Allele frequency attached by ClinVar (database versions not stated): gnomAD exomes below 0.00001.
gnomAD v4.1: 1 of 1,614,186 alleles (0.000062%); highest among the groups gnomAD compares: South Asian, 0.0011%; no homozygotes.

Submissions (2):

Ambry Genetics
Classification: Uncertain significance for Inborn genetic diseases. Last evaluated: 2025-02-08. Review status: criteria provided, single submitter. Criteria: Ambry Variant Classification Scheme 2023. Collection method: clinical testing. Allele origin: germline.

Neuberg Centre For Genomic Medicine, NCGM
Classification: Uncertain significance for Hereditary spastic paraplegia 11. Review status: criteria provided, single submitter. Criteria: ACMG Guidelines, 2015. Collection method: clinical testing. Allele origin: germline. Inheritance: Autosomal recessive inheritance. Affected: yes.
Comment: The missense variant p.P2345S in SPG11 (NM_025137.4) has not been reported previously as a pathogenic variant nor as a benign variant, to our knowledge. The p.P2345S variant is observed in 3/30,614 (0.0098%) alleles from individuals of South Asian background in gnomAD Exomes and is novel (not in any individuals) in 1000 Genomes. There is a moderate physicochemical difference between proline and serine. The p.P2345S missense variant is predicted to be damaging by both SIFT and PolyPhen2. The proline residue at codon 2345 of SPG11 is conserved in all mammalian species. The nucleotide c.7033 in SPG11 is predicted conserved by GERP++ and PhyloP across 100 vertebrates. For these reasons, this variant has been classified as Uncertain Significance.